The following is an entry in ClinVar:

NM_018896.5(CACNA1G):c.986A>T (p.Asn329Ile)

Gene: CACNA1G (calcium voltage-gated channel subunit alpha1 G; plus strand). Cytogenetic location: 17q21.33.
Variant type: single nucleotide variant.
Coding change: c.986A>T on transcript NM_018896.5 (MANE Select); coding-DNA position 986, A replaced by T.
Protein change: p.Asn329Ile; replaces asparagine 329 with isoleucine.
Molecular consequence: missense variant. On other transcripts: non-coding transcript variant (5).
Genome position (GRCh38, 1-based): chr17:50,572,793, A>T. VCF-style: chr17-50572793-A-T. GRCh37 (hg19) VCF-style: chr17-48650154-A-T.
Other names: c.986A>T, p.Asn329Ile (NM_198378.3, NM_198379.3, NM_198380.3 and 24 more transcripts); short protein forms N329I.
Identifiers: ClinVar variation 5018033 (VCV005018033.1).

ClinVar aggregate classification (germline): Uncertain significance (1 of 4 stars; one submission).

Submission:

GeneDx
Classification: Uncertain significance. Last evaluated: 2026-04-09. Review status: criteria provided, single submitter. Criteria: GeneDx Variant Classification Process June 2021. Collection method: clinical testing. Allele origin: germline.
Comment: Not observed at significant frequency in large population cohorts (gnomAD); In silico analysis supports that this missense variant has a deleterious effect on protein structure/function; Has not been previously published as pathogenic or benign to our knowledge